The following is an entry in ClinVar:

ClinVar aggregate classification (germline): Pathogenic/Likely pathogenic. Review status: criteria provided, multiple submitters, no conflicts (2 of 4 stars). 2 submissions from 2 submitters: Pathogenic (1); Likely pathogenic (1). Last evaluated 2026-01-27.

Conditions:
Early onset severe obesity. Identifiers: MedGen C4013980.
MC4R-related disorder. Also called: MC4R-related condition.

Submissions (2):

PreventionGenetics, part of Exact Sciences
Classification: Pathogenic for MC4R-related condition. Last evaluated: 2026-01-27. Review status: criteria provided, single submitter. Criteria: ACMG Guidelines, 2015. Collection method: clinical testing. Allele origin: germline.
Comment: The MC4R c.907G>A variant is predicted to result in the amino acid substitution p.Ala303Thr. This variant has been reported in an obese mother and child (Ahituv et al. 2007. PubMed ID: 17357083). Segregation analysis indicated this variant was a de novo event in the mother that was passed on to the affected child (Ahituv et al. 2007. PubMed ID: 17357083). This variant was also identified in the heterozygous state in at least four obese individuals (Calton et al. 2009. PubMed ID: 19091795; Tan et al. 2009. PubMed ID: 18801902). Functional studies indicate this variant results in a significant reduction in activity compared to wild type MC4R (Ahituv et al. 2007. PubMed ID: 17357083; Calton et al. 2009. PubMed ID: 19091795; Tan et al. 2009. PubMed ID: 18801902). This variant is reported in 0.00088% of alleles in individuals of European (Non-Finnish) descent in gnomAD. Based on the available evidence, we consider the MC4R c.907G>A (p.Ala303Thr) variant to be pathogenic.

Cambridge Genomics Laboratory, East Genomic Laboratory Hub, NHS Genomic Medicine Service
Classification: Likely pathogenic for Severe early-onset obesity. Last evaluated: 2025-02-21. Review status: criteria provided, single submitter. Criteria: ACGS Best Practice Guidelines for Variant Classification in Rare Disease 2020. Collection method: clinical testing. Allele origin: germline. Affected: yes.
Comment: PS3,PS4_Moderate,PM2

NM_005912.3(MC4R):c.907G>A (p.Ala303Thr)

Gene: MC4R (melanocortin 4 receptor; minus strand). Cytogenetic location: 18q21.32.
Variant type: single nucleotide variant.
Coding change: c.907G>A on transcript NM_005912.3 (MANE Select); coding-DNA position 907, G replaced by A.
Protein change: p.Ala303Thr; replaces alanine 303 with threonine.
Molecular consequence: missense variant.
Genome position (GRCh38, 1-based): chr18:60,371,443, C>T on the plus strand (G>A on the coding strand, the complement: MC4R is on the minus strand). VCF-style: chr18-60371443-C-T. GRCh37 (hg19) VCF-style: chr18-58038676-C-T.
Other names: c.907G>A (NM_005912.2); short protein forms A303T.
Identifiers: ClinVar variation 4683075 (VCV004683075.2).